The following is an entry in ClinVar:

ClinVar aggregate classification (germline): Likely benign. Review status: criteria provided, multiple submitters, no conflicts (2 of 4 stars). 2 submissions from 2 submitters: Likely benign (2). Last evaluated 2025-10-01.

Conditions:
Joubert syndrome 14 (JBTS14). Identifiers: MedGen C3280766, MONDO:0013745, OMIM 614424.

Allele frequency attached by ClinVar (database versions not stated): gnomAD 0.00001; gnomAD exomes 0.00002; TOPMed 0.00003.
gnomAD v4.1: 11 of 1,611,918 alleles (0.00068%); highest among the groups gnomAD compares: Admixed American, 0.017%; no homozygotes.

Submissions (2):

CeGaT Center for Human Genetics Tuebingen
Classification: Likely benign. Last evaluated: 2025-10-01. Review status: criteria provided, single submitter. Criteria: CeGaT Center For Human Genetics Tuebingen Variant Classification Criteria Version 2. Collection method: clinical testing. Allele origin: germline. Affected: yes. Observed: 1 variant allele.
Comment: TMEM237: BP4, BP7

Labcorp Genetics (formerly Invitae), Labcorp
Classification: Likely benign for Joubert syndrome 14. Last evaluated: 2025-04-23. Review status: criteria provided, single submitter. Criteria: Invitae Variant Classification Sherloc (09022015). Collection method: clinical testing. Allele origin: germline.

NM_001044385.3(TMEM237):c.1212C>T (p.Ile404=)

Gene: TMEM237 (transmembrane protein 237; minus strand). Cytogenetic location: 2q33.1.
Variant type: single nucleotide variant.
Coding change: c.1212C>T on transcript NM_001044385.3 (MANE Select); coding-DNA position 1212, C replaced by T.
Protein change: p.Ile404=; no amino-acid change (isoleucine 404 retained).
Molecular consequence: synonymous variant.
Genome position (GRCh38, 1-based): chr2:201,624,270, G>A on the plus strand (C>T on the coding strand, the complement: TMEM237 is on the minus strand). VCF-style: chr2-201624270-G-A. GRCh37 (hg19) VCF-style: chr2-202488993-G-A.
Other names: c.1188C>T, p.Ile396= (NM_152388.4).
Identifiers: ClinVar variation 772675 (VCV000772675.16), dbSNP rs1317494328, ClinGen allele CA430663434.
Genomic context (GRCh38, chr2:201,624,270, plus strand): 5'-ATGGGACAAATACTGGGTCATTATTCCTCCAAAGGTGAGCTGGTATTATGAAGAGGCTTT[G>A]ATTTCTTTCTCTTTATCAGGATATTCTTCCACCTCTGAGGAGAACATTAACTCTGGAGAA-3'
Protein context (NP_001037850.1, residues 394-408): VEEYPDKEKE[Ile404=]KASS